The following is an entry in ClinVar:

NM_000540.3(RYR1):c.11947C>T (p.Arg3983Cys)

Gene: RYR1 (ryanodine receptor 1; plus strand). Cytogenetic location: 19q13.2.
Variant type: single nucleotide variant.
Coding change: c.11947C>T on transcript NM_000540.3 (MANE Select); coding-DNA position 11947, C replaced by T.
Protein change: p.Arg3983Cys; replaces arginine 3983 with cysteine.
Molecular consequence: missense variant.
Genome position (GRCh38, 1-based): chr19:38,543,810, C>T. VCF-style: chr19-38543810-C-T. GRCh37 (hg19) VCF-style: chr19-39034450-C-T.
Other names: NM_000540.3(RYR1):c.11947C>T; p.Arg3983Cys; c.11932C>T, p.Arg3978Cys (NM_001042723.2); short protein forms R3978C, R3983C.
Identifiers: ClinVar variation 650932 (VCV000650932.12), dbSNP rs1600989183, ClinGen allele CA405662842.
Genomic context (GRCh38, chr19:38,543,810, plus strand): 5'-ACACGGCACTCTGCCTCCCAGGGTCCCTGCACCGGGAACCAGCAGAGCCTGGCGCACAGT[C>T]GCCTATGGGACGCAGTGGTGGGATTCCTGCACGTGTTCGCCCACATGATGATGAAGCTCG-3'
Protein context (NP_000531.2, residues 3973-3993): TGNQQSLAHS[Arg3983Cys]LWDAVVGFLH

ClinVar aggregate classification (germline): Uncertain significance. Review status: reviewed by expert panel (3 of 4 stars). 3 submissions from 3 submitters: Uncertain significance (1). 2 of the submissions do not count toward it. Last evaluated 2025-08-01.

Conditions:
RYR1-related disorder. Also called: RYR1-related condition; RYR1-related disorders. Identifiers: MedGen CN239331.
Malignant hyperthermia, susceptibility to, 1 (MHS1). Also called: RYR1-Related Malignant Hyperthermia Susceptibility; Anesthesia related hyperthermia; Malignant hyperpyrexia; Fulminating hyperpyrexia; Pharmacogenic myopathy; Malignant hyperthermia suceptibility 1. Identifiers: Orphanet 423, MedGen C2930980, MONDO:0007783, OMIM 145600.

Submissions (3):

ClinGen Malignant Hyperthermia Susceptibility Variant Curation Expert Panel, ClinGen
Classification: Uncertain significance for Malignant hyperthermia, susceptibility to, 1. Last evaluated: 2025-08-01. Review status: reviewed by expert panel. Criteria: ClinGen MHS ACMG Specifications V2. Collection method: curation. Allele origin: germline. Inheritance: Autosomal dominant inheritance.
Comment: This pathogenicity assessment is relevant only for malignant hyperthermia susceptibility (MHS) inherited in an autosomal dominant pattern. Variants in RYR1 can also cause other myopathies inherited in an autosomal dominant pattern or in an autosomal recessive pattern. Some of these disorders may predispose individuals to malignant hyperthermia. RYR1 variants may also contribute to a malignant hyperthermia reaction in combination with other genetic and non-genetic factors and the clinician needs to consider such factors in making management decisions. This sequence variant predicts a substitution of arginine with cysteine at codon 3983 of the RYR1 protein, p.(Arg3983Cys). This variant is not present in a large population database (gnomAD) at the time this variant was interpreted. This variant has been reported in an individual with a personal or family history of an MH episode and a positive in vitro contracture test (IVCT) or caffeine halothane contracture test (CHCT) result (if the proband was unavailable for testing, a positive diagnostic test result in a mutation-positive relative was counted), PS4_Supporting (PMID:21918424). In one individual the variant was determined to be de novo with confirmed parentage, PS2_Moderate (PMID:21918424). Functional studies in HEK293 cells have not shown a significant increase in sensitivity to RYR1 agonists BS3_Supporting (PMID:21918424). This variant does not reside in a hotspot for pathogenic variants that contribute to MHS. A REVEL score >0.85 (0.931) supports a pathogenic status for this variant, PP3_Moderate. This variant has been classified as a Variant of Unknown Significance. Criteria implemented: PS2_Moderate, PS4_Supporting, PP3_Moderate, BS3_Supporting.

Rady Children's Institute for Genomic Medicine, Rady Children's Hospital San Diego
Classification: Likely pathogenic for MALIGNANT HYPERTHERMIA, SUSCEPTIBILITY TO, 1. Last evaluated: 2018-08-24. Review status: criteria provided, single submitter. Criteria: ACMG Guidelines, 2015. Collection method: clinical testing. Allele origin: germline. Affected: yes. Observed: 1 variant allele. Not counted in ClinVar's aggregate classification.
Comment: This variant was previously reported as a de novo change in two unrelated children who had fatal, non-anesthetic awake episodes associated with febrile illness and heat stress (PMID: 21918424). One child had a second novel maternally inherited variant c.13513G>C (p.Asp4505His) in trans with the c.11947C>T (p.Arg3983Cys) variant. Both variants were functionally characterized by evaluating the caffeine sensitivity of Ca2+ release in transfected myotubes and compared to the wild-type RYR1 alone. The average caffeine sensitivity of Ca2+ release was modestly increased for the p.Arg3983Cys variant alone and for the p.Asp4505His variant alone. The c.11947C>T (p.Arg3983Cys) variant is absent from the ExAC and gnomAD population databases and thus is presumed to be rare. This variant affects a highly conserved amino acid and is predicted by multiple in silico tools to have a damaging effect on protein function. Analysis of the parental samples was negative for the variant, indicating this variant likely occurred as a de novo event. Overall, based on the available evidence, the c.11947C>T (p.Arg3983Cys) variant is classified as likely pathogenic.

Labcorp Genetics (formerly Invitae), Labcorp
Classification: Pathogenic for RYR1-related disorder. Last evaluated: 2018-08-08. Review status: criteria provided, single submitter. Criteria: Invitae Variant Classification Sherloc (09022015). Collection method: clinical testing. Allele origin: germline. Not counted in ClinVar's aggregate classification.
Comment: This sequence change replaces arginine with cysteine at codon 3983 of the RYR1 protein (p.Arg3983Cys). The arginine residue is moderately conserved and there is a large physicochemical difference between arginine and cysteine. This variant is not present in population databases (ExAC no frequency). For these reasons, this variant has been classified as Pathogenic. Variants that disrupt the p.Arg3983 amino acid residue in RYR1 have been observed in affected individuals (PMID: 20439600). This suggests that it is a clinically significant residue, and that other variants that disrupt this residue are likely to be causative of disease. Algorithms developed to predict the effect of missense changes on protein structure and function are either unavailable or do not agree on the potential impact of this missense change (SIFT: "Deleterious"; PolyPhen-2: "Benign"; Align-GVGD: "Class C0"). This variant has been observed to be de novo in individuals affected with RYR1-related disease (PMID: 21918424).

Literature cited by the submitters: PubMed 20439600 (cited by Labcorp Genetics (formerly Invitae), Labcorp); PubMed 21918424 (cited by Labcorp Genetics (formerly Invitae), Labcorp).